The following is an entry in ClinVar:

NM_001292063.2(OTOG):c.6937C>T (p.Pro2313Ser)

Gene: OTOG (otogelin; plus strand). Cytogenetic location: 11p15.1.
Variant type: single nucleotide variant.
Coding change: c.6937C>T on transcript NM_001292063.2 (MANE Select); coding-DNA position 6937, C replaced by T.
Protein change: p.Pro2313Ser; replaces proline 2313 with serine.
Molecular consequence: missense variant.
Genome position (GRCh38, 1-based): chr11:17,632,091, C>T. VCF-style: chr11-17632091-C-T. GRCh37 (hg19) VCF-style: chr11-17653638-C-T.
Other names: c.6973C>T, p.Pro2325Ser (NM_001277269.2); c.6937C>T (NM_001292063.1); short protein forms P2325S, P2313S.
Identifiers: ClinVar variation 505020 (VCV000505020.10), dbSNP rs543999548, ClinGen allele CA5906078.
Genomic context (GRCh38, chr11:17,632,091, plus strand): 5'-TGGGCACTGGGATATGTGCCATCCGAGTAACCAGCACTGCCTGATGCATATGTCCAGGTG[C>T]CTCCGGAGTCATTCTGTGAGCTGTGGATCCGGGACACCAAGTACGTGCAGCAGCCCTGCG-3'
Protein context (NP_001278992.1, residues 2303-2323): RTFSACHRFV[Pro2313Ser]PESFCELWIR

ClinVar aggregate classification (germline): Conflicting classifications of pathogenicity. Review status: criteria provided, conflicting classifications (1 of 4 stars). 4 submissions from 4 submitters: Uncertain significance (3); Likely benign (1). Last evaluated 2026-03-08.

Conditions:
OTOG-related disorder. Also called: OTOG-related condition.
Autosomal recessive nonsyndromic hearing loss 18B. Also called: Deafness, autosomal recessive 18b. Identifiers: Orphanet 90636, MedGen C3554163, MONDO:0013985, OMIM 614945.

Allele frequency attached by ClinVar (database versions not stated): ExAC 0.00012; gnomAD exomes 0.00013; 1000 Genomes Project 0.00020; 1000 Genomes Project 30x 0.00031; gnomAD 0.00049 and 0.00051; TOPMed 0.00052.
gnomAD v4.1: 148 of 1,550,856 alleles (0.0095%); highest among the groups gnomAD compares: African/African-American, 0.17%; 1 homozygote.

Submissions (4):

PreventionGenetics, part of Exact Sciences
Classification: Uncertain significance for OTOG-related condition. Last evaluated: 2026-03-08. Review status: criteria provided, single submitter. Criteria: ACMG Guidelines, 2015. Collection method: clinical testing. Allele origin: germline.
Comment: The OTOG c.6973C>T variant is predicted to result in the amino acid substitution p.Pro2325Ser. To our knowledge, this variant has not been reported in the literature. This variant is reported in 0.13% of alleles in individuals of African descent in gnomAD. Although we suspect that this variant may be benign, at this time, the clinical significance of this variant is uncertain due to the absence of conclusive functional and genetic evidence.

Wonkam Laboratory, Johns Hopkins University
Classification: Uncertain significance for Autosomal recessive nonsyndromic hearing loss 18B. Last evaluated: 2024-01-06. Review status: criteria provided, single submitter. Criteria: ACMG Guidelines, 2015. Collection method: research. Allele origin: germline. Inheritance: Autosomal recessive inheritance. Affected: yes. Observed: 2 variant alleles.
Comment: This variant OTOG c.6937C>T (NM_001292063.1) is absent from controls (or at extremely low frequency if recessive) in Exome Sequencing Project, 1000 Genomes Project, or Exome Aggregation Consortium (PM2), Patient's phenotype or family history is highly specific for a disease with a single genetic etiology (PP4)

GeneDx
Classification: Uncertain significance. Last evaluated: 2021-05-27. Review status: criteria provided, single submitter. Criteria: GeneDx Variant Classification Process June 2021. Collection method: clinical testing. Allele origin: germline. Affected: yes.
Comment: In silico analysis supports that this missense variant does not alter protein structure/function; Has not been previously published as pathogenic or benign to our knowledge; This variant is associated with the following publications: (PMID: 27535533)

Laboratory for Molecular Medicine, Mass General Brigham Personalized Medicine
Classification: Likely benign. Last evaluated: 2016-05-28. Review status: criteria provided, single submitter. Criteria: LMM Criteria. Collection method: clinical testing. Allele origin: germline. Observed: 1 variant allele.
Comment: p.Pro2325Ser in exon 41 of OTOG: This variant is not expected to have clinical s ignificance due to a lack of conservation across species, including mammals. Of note, >15 mammals have a Serine (Ser) at this position despite high nearby amino acid conservation. In addition, computational prediction tools do not suggest a high likelihood of impact to the protein. The variant has been reported in 2/10 10 African chromosomes by the Exome Aggregation Consortium (ExAC; dbSNP rs543999548).